The following is an entry in ClinVar:

ClinVar aggregate classification (germline): Pathogenic (1 of 4 stars; one submission).

Conditions:
Ehlers-Danlos syndrome due to tenascin-X deficiency (EDSCLL1). Also called: EDS DUE TO TNX DEFICIENCY; TNX DEFICIENCY; Ehlers-Danlos syndrome, classic-like, 1; EHLERS-DANLOS SYNDROME, CLASSIC-LIKE; TNXB-Related Classical-Like Ehlers-Danlos Syndrome. Identifiers: Orphanet 230839, MedGen C1848029, MONDO:0011670, OMIM 606408.

Submission:

Myriad Genetics, Inc.
Classification: Pathogenic for Ehlers-Danlos syndrome due to tenascin-X deficiency. Last evaluated: 2025-06-21. Review status: criteria provided, single submitter. Criteria: Myriad Autosomal Dominant, Autosomal Recessive and X-Linked Classification Criteria (2023). Collection method: clinical testing. Allele origin: unknown.
Comment: NM_019105.6(TNXB):c.10443C>G(Y3481*) is expected to be pathogenic in the context of classical-like Ehlers-Danlos syndrome, TNXB-related. This variant is predicted to lead to an abnormal or absent protein product due to the creation of a premature termination codon in TNXB, a gene where loss-of-function variants are known to be pathogenic. Please note: this variant was assessed in the context of healthy population screening.

NM_001365276.2(TNXB):c.10449C>G (p.Tyr3483Ter)

Gene: TNXB (tenascin XB; minus strand). Cytogenetic location: 6p21.33.
Variant type: single nucleotide variant.
Coding change: c.10449C>G on transcript NM_001365276.2 (MANE Select); coding-DNA position 10449, C replaced by G.
Protein change: p.Tyr3483Ter; replaces tyrosine 3483 with a stop codon.
Molecular consequence: nonsense.
Genome position (GRCh38, 1-based): chr6:32,046,332, G>C on the plus strand (C>G on the coding strand, the complement: TNXB is on the minus strand). VCF-style: chr6-32046332-G-C. GRCh37 (hg19) VCF-style: chr6-32014109-G-C.
Other names: c.11190C>G, p.Tyr3730Ter (NM_001428335.1); c.10443C>G, p.Tyr3481Ter (NM_019105.8); short protein forms Y3481*, Y3483*, Y3730*.
Identifiers: ClinVar variation 5014624 (VCV005014624.1).
Genomic context (GRCh38, chr6:32,046,332, plus strand): 5'-GGTGACTGTGCGCTGGTCTGCGGCCACAGGCACTGCCCTGGGCTGCCCGTCCGTGTCCCT[G>C]TACTGGACCACGAAGGAGTCAAAGGGGCCCTGGGCTACCGTCCAGGACAGGCGCAGAGAG-3'